The following is an entry in ClinVar:

ClinVar aggregate classification (germline): Uncertain significance (1 of 4 stars; one submission).

Conditions:
LRRC45-related disorder. Also called: LRRC45-related condition.

gnomAD v4.1: 35 of 1,575,306 alleles (0.0022%); highest among the groups gnomAD compares: Admixed American, 0.011%; no homozygotes.

Submission:

PreventionGenetics, part of Exact Sciences
Classification: Uncertain significance for LRRC45-related condition. Last evaluated: 2025-12-11. Review status: criteria provided, single submitter. Criteria: ACMG Guidelines, 2015. Collection method: clinical testing. Allele origin: germline.
Comment: The LRRC45 c.1060C>T variant is predicted to result in the amino acid substitution p.Arg354Trp. To our knowledge, this variant has not been reported in the literature. This variant is reported in 0.0088% of alleles in individuals of African descent in gnomAD. At this time, the clinical significance of this variant is uncertain due to the absence of conclusive functional and genetic evidence.

NM_144999.4(LRRC45):c.1060C>T (p.Arg354Trp)

Gene: LRRC45 (leucine rich repeat containing 45; plus strand). Cytogenetic location: 17q25.3.
Variant type: single nucleotide variant.
Coding change: c.1060C>T on transcript NM_144999.4 (MANE Select); coding-DNA position 1060, C replaced by T.
Protein change: p.Arg354Trp; replaces arginine 354 with tryptophan.
Molecular consequence: missense variant.
Genome position (GRCh38, 1-based): chr17:82,028,246, C>T. VCF-style: chr17-82028246-C-T. GRCh37 (hg19) VCF-style: chr17-79986122-C-T.
Other names: short protein forms R354W.
Identifiers: ClinVar variation 4987680 (VCV004987680.1).